The following is an entry in ClinVar:

ClinVar aggregate classification (germline): Likely benign. Review status: criteria provided, single submitter (1 of 4 stars). 2 submissions from 2 submitters: Likely benign (1). 1 of the submissions does not count toward it. Last evaluated 2025-12-17.

Conditions:
ARL6IP1-related disorder. Also called: ARL6IP1-related condition.
Hereditary spastic paraplegia 61. Also called: Spastic paraplegia 61, autosomal recessive. Identifiers: Orphanet 401780, MedGen C3810294, MONDO:0014304, OMIM 615685.

Allele frequency attached by ClinVar (database versions not stated): gnomAD exomes 0.00093 and 0.00110; 1000 Genomes Project 30x 0.00031; 1000 Genomes Project 0.00040; ESP Exome Variant Server 0.00062; ExAC 0.00103; gnomAD 0.00110 and 0.00117; TOPMed 0.00115.
gnomAD v4.1: 1,627 of 1,472,622 alleles (0.11%); highest among the groups gnomAD compares: African/African-American, 0.2%; 2 homozygotes.

Submissions (4):

Labcorp Genetics (formerly Invitae), Labcorp
Classification: Likely benign for Hereditary spastic paraplegia 61. Last evaluated: 2025-12-17. Review status: criteria provided, single submitter. Criteria: Invitae Variant Classification Sherloc (09022015). Collection method: clinical testing. Allele origin: germline.

PreventionGenetics, part of Exact Sciences
Classification: Likely benign for ARL6IP1-related condition. Last evaluated: 2019-05-13. Review status: no assertion criteria provided. Collection method: clinical testing. Allele origin: germline. Not counted in ClinVar's aggregate classification.
Comment: This variant is classified as likely benign based on ACMG/AMP sequence variant interpretation guidelines (Richards et al. 2015 PMID: 25741868, with internal and published modifications).

Dr. Peter K. Rogan Lab, Western University
No classification provided (evidence only). Condition: Uterine corpus endometrial carcinoma. Review status: no classification provided. Collection method: in vitro. Allele origin: not applicable. Functional consequence: retained intron. Not counted in ClinVar's aggregate classification.

Dr. Peter K. Rogan Lab, Western University
No classification provided (evidence only). Condition: Cholangiocarcinoma. Review status: no classification provided. Collection method: in vitro. Allele origin: not applicable. Functional consequence: retained intron. Not counted in ClinVar's aggregate classification.

NM_015161.3(ARL6IP1):c.494-9T>A

Gene: ARL6IP1 (ARL6 interacting reticulophagy regulator 1; minus strand). Cytogenetic location: 16p12.3.
Variant type: single nucleotide variant.
Coding change: c.494-9T>A on transcript NM_015161.3 (MANE Select); 9 bases into the intron before coding-DNA position 494, T replaced by A.
Molecular consequence: intron variant.
Genome position (GRCh38, 1-based): chr16:18,793,379, A>T on the plus strand (T>A on the coding strand, the complement: ARL6IP1 is on the minus strand). VCF-style: chr16-18793379-A-T. GRCh37 (hg19) VCF-style: chr16-18804701-A-T.
Other names: c.407-9T>A (NM_001313858.1); c.494-9T>A (NM_015161.2).
Identifiers: ClinVar variation 541704 (VCV000541704.16), dbSNP rs187822079, ClinGen allele CA7929418.
Genomic context (GRCh38, chr16:18,793,379, plus strand): 5'-TTCAAAATGATTCCATGTTGGTTTAGTCCAGGAAGCAATAGTAAGGAAGTCACTTAAAAT[A>T]AAAAAAAACCCAACATTAAGGAGGCAGCAATTAACCTGCTAAAGGTTATTACTTTTTTTT-3'